The following is an entry in ClinVar:

NM_007294.4(BRCA1):c.4478T>A (p.Val1493Glu)

Gene: BRCA1 (BRCA1 DNA repair associated; minus strand). Cytogenetic location: 17q21.31.
Variant type: single nucleotide variant.
Coding change: c.4478T>A on transcript NM_007294.4 (MANE Select); coding-DNA position 4478, T replaced by A.
Protein change: p.Val1493Glu; replaces valine 1493 with glutamic acid.
Molecular consequence: missense variant. On other transcripts: intron variant (3).
Genome position (GRCh38, 1-based): chr17:43,076,494, A>T on the plus strand (T>A on the coding strand, the complement: BRCA1 is on the minus strand). VCF-style: chr17-43076494-A-T. GRCh37 (hg19) VCF-style: chr17-41228511-A-T.
Other names: c.4337T>A, p.Val1446Glu (NM_001407727.1, NM_001407692.1, NM_001407694.1 and 13 more transcripts); c.1043T>A, p.Val348Glu (NM_001408434.1, NM_001408435.1, NM_001408433.1 and 10 more transcripts); c.4265T>A, p.Val1422Glu (NM_001407571.1, NM_001407894.1, NM_001407895.1 and 12 more transcripts); c.4544T>A, p.Val1515Glu (NM_001407581.1, NM_001407582.1); c.4541T>A, p.Val1514Glu (NM_001407583.1, NM_001407585.1, NM_001407587.1 and 1 more transcripts); c.4538T>A, p.Val1513Glu (NM_001407590.1, NM_001407591.1); c.4478T>A, p.Val1493Glu (NM_001407593.1, NM_001407594.1, NM_001407596.1 and 8 more transcripts); c.4475T>A, p.Val1492Glu (NM_001407610.1, NM_001407611.1, NM_001407612.1 and 17 more transcripts); and 71 more; short protein forms V1196E, V1364E, V1381E, V1424E, V1426E, V1445E, V1451E, V1465E.
Identifiers: ClinVar variation 4625255 (VCV004625255.1).

ClinVar aggregate classification (germline): Uncertain significance (1 of 4 stars; one submission).

Conditions:
Hereditary cancer-predisposing syndrome. Also called: Neoplastic Syndromes, Hereditary; Tumor predisposition; Hereditary Cancer Syndrome; Hereditary neoplastic syndrome. Identifiers: Orphanet 140162, MedGen C0027672, MeSH D009386, MONDO:0015356.

gnomAD v4.1: 1 of 1,613,164 alleles (0.000062%); no homozygotes.

Submission:

Ambry Genetics
Classification: Uncertain significance for Hereditary cancer-predisposing syndrome. Last evaluated: 2025-10-17. Review status: criteria provided, single submitter. Criteria: Ambry Variant Classification Scheme 2023. Collection method: clinical testing. Allele origin: germline.
Comment: The p.V1493E variant (also known as c.4478T>A), located in coding exon 12 of the BRCA1 gene, results from a T to A substitution at nucleotide position 4478. The valine at codon 1493 is replaced by glutamic acid, an amino acid with dissimilar properties. This amino acid position is conserved. In addition, this alteration is predicted to be tolerated by in silico analysis. Based on the available evidence, the clinical significance of this variant remains unclear.